The following is an entry in ClinVar:

NM_144997.7(FLCN):c.333C>G (p.His111Gln)

Gene: FLCN (folliculin; minus strand). Cytogenetic location: 17p11.2.
Variant type: single nucleotide variant.
Coding change: c.333C>G on transcript NM_144997.7 (MANE Select); coding-DNA position 333, C replaced by G.
Protein change: p.His111Gln; replaces histidine 111 with glutamine.
Molecular consequence: missense variant.
Genome position (GRCh38, 1-based): chr17:17,226,239, G>C on the plus strand (C>G on the coding strand, the complement: FLCN is on the minus strand). VCF-style: chr17-17226239-G-C. GRCh37 (hg19) VCF-style: chr17-17129553-G-C.
Other names: c.333C>G, p.His111Gln (NM_001353229.2, NM_001353230.2, NM_001353231.2 and 1 more transcripts); short protein forms H111Q.
Identifiers: ClinVar variation 1017026 (VCV001017026.7), dbSNP rs1555610924, ClinGen allele CA398534814.
Genomic context (GRCh38, chr17:17,226,239, plus strand): 5'-ACAGCTCAGGCTCCGGACACAGGCCTGGCGGACAATGCTGAAGAGCTGGGGGTGGCTGGG[G>C]TGCTGGTGGCTGACGTATTTAATGGAGGTCTCTTTATCATGGCTGATATATCCCGGGTGC-3'
Protein context (NP_659434.2, residues 101-121): ETSIKYVSHQ[His111Gln]PSHPQLFSIV

ClinVar aggregate classification (germline): Uncertain significance. Review status: criteria provided, multiple submitters, no conflicts (2 of 4 stars). 2 submissions from 2 submitters: Uncertain significance (2). Last evaluated 2026-01-20.

Conditions:
Hereditary cancer-predisposing syndrome. Also called: Tumor predisposition; Hereditary Cancer Syndrome; Neoplastic Syndromes, Hereditary; Hereditary neoplastic syndrome. Identifiers: Orphanet 140162, MedGen C0027672, MeSH D009386, MONDO:0015356.
Birt-Hogg-Dube syndrome. Also called: Birt Hogg Dubé syndrome. Identifiers: Orphanet 122, MedGen C0346010, MONDO:0800444.

Allele frequency attached by ClinVar (database versions not stated): gnomAD exomes 0.00001.
gnomAD v4.1: 5 of 1,614,172 alleles (0.00031%); highest among the groups gnomAD compares: Non-Finnish European, 0.00042%; no homozygotes.

Submissions (2):

Labcorp Genetics (formerly Invitae), Labcorp
Classification: Uncertain significance for Birt-Hogg-Dube syndrome. Last evaluated: 2026-01-20. Review status: criteria provided, single submitter. Criteria: Invitae Variant Classification Sherloc (09022015). Collection method: clinical testing. Allele origin: germline.
Comment: This sequence change replaces histidine, which is basic and polar, with glutamine, which is neutral and polar, at codon 111 of the FLCN protein (p.His111Gln). This variant is not present in population databases (gnomAD no frequency). This variant has not been reported in the literature in individuals affected with FLCN-related conditions. ClinVar contains an entry for this variant (Variation ID: 1017026). Invitae Evidence Modeling of protein sequence and biophysical properties (such as structural, functional, and spatial information, amino acid conservation, physicochemical variation, residue mobility, and thermodynamic stability) indicates that this missense variant is not expected to disrupt FLCN protein function with a negative predictive value of 80%. In summary, the available evidence is currently insufficient to determine the role of this variant in disease. Therefore, it has been classified as a Variant of Uncertain Significance.

Ambry Genetics
Classification: Uncertain significance for Hereditary cancer-predisposing syndrome. Last evaluated: 2025-10-10. Review status: criteria provided, single submitter. Criteria: Ambry Variant Classification Scheme 2023. Collection method: clinical testing. Allele origin: germline.
Comment: The p.H111Q variant (also known as c.333C>G), located in coding exon 2 of the FLCN gene, results from a C to G substitution at nucleotide position 333. The histidine at codon 111 is replaced by glutamine, an amino acid with highly similar properties. This amino acid position is highly conserved in available vertebrate species. In addition, this alteration is predicted to be deleterious by in silico analysis. Since supporting evidence is limited at this time, the clinical significance of this alteration remains unclear.